The following is an entry in ClinVar:

NM_152783.5(D2HGDH):c.684+9G>C

Gene: D2HGDH (D-2-hydroxyglutarate dehydrogenase; plus strand). Cytogenetic location: 2q37.3.
Variant type: single nucleotide variant.
Coding change: c.684+9G>C on transcript NM_152783.5 (MANE Select); 9 bases into the intron after coding-DNA position 684, G replaced by C.
Molecular consequence: intron variant.
Genome position (GRCh38, 1-based): chr2:241,743,824, G>C. VCF-style: chr2-241743824-G-C. GRCh37 (hg19) VCF-style: chr2-242683239-G-C.
Other names: c.123+9G>C (NM_001352824.2); c.282+9G>C (NM_001287249.2).
Identifiers: ClinVar variation 1908280 (VCV001908280.3), dbSNP rs755818367, ClinGen allele CA2221729.
Genomic context (GRCh38, chr2:241,743,824, plus strand): 5'-GCGGTTTCTTCGATATGGCTCACTGCATGGGACTGTCCTGGGCCTGGAAGTGGTGAGCTG[G>C]GGCAGCTGCTTGGTGCAGAGGTCGCCACGGGGTGTCCTCTCACGGCTCTCATGGGCCCAC-3'

ClinVar aggregate classification (germline): Uncertain significance (1 of 4 stars; one submission).

Conditions:
D-2-hydroxyglutaric aciduria 1 (D2HGA1). Identifiers: Orphanet 79315, MedGen C3152055, MONDO:0024554, OMIM 600721.

Allele frequency attached by ClinVar (database versions not stated): ExAC 0.00004.
gnomAD v4.1: 11 of 1,591,652 alleles (0.00069%); highest among the groups gnomAD compares: Admixed American, 0.019%; no homozygotes.

Submission:

Labcorp Genetics (formerly Invitae), Labcorp
Classification: Uncertain significance for D-2-hydroxyglutaric aciduria 1. Last evaluated: 2022-07-15. Review status: criteria provided, single submitter. Criteria: Invitae Variant Classification Sherloc (09022015). Collection method: clinical testing. Allele origin: germline.
Comment: In summary, the available evidence is currently insufficient to determine the role of this variant in disease. Therefore, it has been classified as a Variant of Uncertain Significance. Algorithms developed to predict the effect of sequence changes on RNA splicing suggest that this variant may create or strengthen a splice site. This variant has not been reported in the literature in individuals affected with D2HGDH-related conditions. This variant is present in population databases (rs755818367, gnomAD 0.03%). This sequence change falls in intron 5 of the D2HGDH gene. It does not directly change the encoded amino acid sequence of the D2HGDH protein.